The following is an entry in ClinVar:

ClinVar aggregate classification (germline): Uncertain significance (1 of 4 stars; one submission).

Submission:

Labcorp Genetics (formerly Invitae), Labcorp
Classification: Uncertain significance. Last evaluated: 2022-07-12. Review status: criteria provided, single submitter. Criteria: Invitae Variant Classification Sherloc (09022015). Collection method: clinical testing. Allele origin: germline.
Comment: This variant has not been reported in the literature in individuals affected with CACNA1D-related conditions. ClinVar contains an entry for this variant (Variation ID: 1461460). In summary, the available evidence is currently insufficient to determine the role of this variant in disease. Therefore, it has been classified as a Variant of Uncertain Significance. This variant is not present in population databases (gnomAD no frequency). This sequence change creates a premature translational stop signal (p.Ile1172Serfs*29) in the CACNA1D gene. It is expected to result in an absent or disrupted protein product. However, the current clinical and genetic evidence is not sufficient to establish whether loss-of-function variants in CACNA1D cause disease.

NM_001128840.3(CACNA1D):c.3454del (p.Ile1152fs)

Genes: CACNA1D (calcium voltage-gated channel subunit alpha1 D; plus strand), LOC129936904 (ATAC-STARR-seq lymphoblastoid active region 19969; plus strand). Cytogenetic location: 3p21.1.
Variant type: Deletion.
Coding change: c.3454del on transcript NM_001128840.3 (MANE Select); coding-DNA position 3454, one base deleted (A; older notation c.3454delA).
Protein change: p.Ile1152fs; shifts the reading frame from isoleucine 1152.
Molecular consequence: frameshift variant.
Genome position (GRCh38, 1-based): chr3:53,749,407, A deleted. VCF-style (leftmost placement, unchanged base first): chr3-53749406-CA-C. GRCh37 (hg19) VCF-style: chr3-53783433-CA-C.
Other names: c.3514del, p.Ile1172fs (NM_000720.4); c.3454del, p.Ile1152fs (NM_001128839.3); short protein forms I1172fs, I1152fs.
Identifiers: ClinVar variation 1461460 (VCV001461460.6), dbSNP rs2108865534, ClinGen allele CA2573137385.